The following is an entry in ClinVar:

NM_003482.4(KMT2D):c.2074C>A (p.Pro692Thr)

Gene: KMT2D (lysine methyltransferase 2D; minus strand). Cytogenetic location: 12q13.12.
Variant type: single nucleotide variant.
Coding change: c.2074C>A on transcript NM_003482.4 (MANE Select); coding-DNA position 2074, C replaced by A.
Protein change: p.Pro692Thr; replaces proline 692 with threonine.
Molecular consequence: missense variant.
Genome position (GRCh38, 1-based): chr12:49,051,609, G>T on the plus strand (C>A on the coding strand, the complement: KMT2D is on the minus strand). VCF-style: chr12-49051609-G-T. GRCh37 (hg19) VCF-style: chr12-49445392-G-T.
Other names: short protein forms P692T.
Identifiers: ClinVar variation 134664 (VCV000134664.56), dbSNP rs202076833, ClinGen allele CA160489.

ClinVar aggregate classification (germline): Benign/Likely benign. Review status: criteria provided, multiple submitters, no conflicts (2 of 4 stars). 16 submissions from 16 submitters: Benign (7); Likely benign (6). 3 of the submissions do not count toward it. Last evaluated 2026-08-01.

Conditions:
Kabuki syndrome 1 (KABUK1). Also called: KMT2D-Related Kabuki Syndrome. Identifiers: Orphanet 2322, MedGen CN030661, MONDO:0007843, OMIM 147920.
Choanal atresia-athelia-hypothyroidism-delayed puberty-short stature syndrome (BCAHH). Also called: BRANCHIAL ARCH ABNORMALITIES, CHOANAL ATRESIA, ATHELIA, HEARING LOSS, AND HYPOTHYROIDISM SYNDROME. Identifiers: Orphanet 589856, MedGen C5680310, MONDO:0035651, OMIM 620186.
Inborn genetic diseases. Identifiers: MedGen C0950123, MeSH D030342.
Kabuki syndrome. Also called: NIIKAWA-KUROKI SYNDROME; Kabuki make-up syndrome. Identifiers: Orphanet 2322, MedGen C0796004, MONDO:0016512.

Allele frequency attached by ClinVar (database versions not stated): gnomAD 0.00287 and 0.00295; ESP Exome Variant Server 0.00335; gnomAD exomes 0.00348 and 0.00462; ExAC 0.00418; 1000 Genomes Project 30x 0.00109; 1000 Genomes Project 0.00140.
gnomAD v4.1: 6,974 of 1,585,278 alleles (0.44%); highest among the groups gnomAD compares: Non-Finnish European, 0.54%; 19 homozygotes.

Submissions (16):

CeGaT Center for Human Genetics Tuebingen
Classification: Benign. Last evaluated: 2026-08-01. Review status: criteria provided, single submitter. Criteria: CeGaT Center For Human Genetics Tuebingen Variant Classification Criteria Version 2. Collection method: clinical testing. Allele origin: germline. Affected: yes. Observed: 18 variant alleles.
Comment: KMT2D: BP4, BS1, BS2

Labcorp Genetics (formerly Invitae), Labcorp
Classification: Benign for Kabuki syndrome. Last evaluated: 2026-02-02. Review status: criteria provided, single submitter. Criteria: Invitae Variant Classification Sherloc (09022015). Collection method: clinical testing. Allele origin: germline.

ARUP Laboratories, Molecular Genetics and Genomics, ARUP Laboratories
Classification: Likely benign. Last evaluated: 2025-05-14. Review status: criteria provided, single submitter. Criteria: ARUP Molecular Germline Variant Investigation Process 2024. Collection method: clinical testing. Allele origin: germline.

Mayo Clinic Laboratories, Mayo Clinic
Classification: Benign. Last evaluated: 2025-04-14. Review status: criteria provided, single submitter. Criteria: ACMG Guidelines, 2015. Collection method: clinical testing. Allele origin: germline. Observed: 1 variant allele.
Comment: BS1, BS2, BP4_moderate

Ambry Genetics
Classification: Likely benign for Inborn genetic diseases. Last evaluated: 2025-04-11. Review status: criteria provided, single submitter. Criteria: Ambry Variant Classification Scheme 2023. Collection method: clinical testing. Allele origin: germline.

Fulgent Genetics
Classification: Benign for Kabuki syndrome 1. Last evaluated: 2021-09-16. Review status: criteria provided, single submitter. Criteria: ACMG Guidelines, 2015. Collection method: clinical testing. Allele origin: unknown.

GeneDx
Classification: Benign. Last evaluated: 2019-08-22. Review status: criteria provided, single submitter. Criteria: GeneDx Variant Classification Process June 2021. Collection method: clinical testing. Allele origin: germline. Affected: yes.

Center for Pediatric Genomic Medicine, Children's Mercy Hospital and Clinics
Classification: Benign. Last evaluated: 2015-12-21. Review status: criteria provided, single submitter. Criteria: ACMG Guidelines, 2015. Collection method: clinical testing. Allele origin: germline.

Eurofins Ntd Llc (ga)
Classification: Benign. Last evaluated: 2015-10-13. Review status: criteria provided, single submitter. Criteria: EGL Classification Definitions 2015. Collection method: clinical testing. Allele origin: germline. Observed: 1 variant allele, 1 heterozygote.

Genetic Services Laboratory, University of Chicago
Classification: Likely benign. Last evaluated: 2013-02-08. Review status: criteria provided, single submitter. Criteria: ACMG Guidelines, 2007. Collection method: clinical testing. Allele origin: germline. Inheritance: Autosomal dominant inheritance.

Breakthrough Genomics
Classification: Likely benign. Review status: criteria provided, single submitter. Criteria: ACMG Guidelines, 2015. Collection method: not provided. Allele origin: germline. Inheritance: Autosomal dominant inheritance. Affected: yes.

Center for Genomics, Ann and Robert H. Lurie Children's Hospital of Chicago
Classification: Likely benign for Choanal atresia-athelia-hypothyroidism-delayed puberty-short stature syndrome; Kabuki syndrome 1. Review status: criteria provided, single submitter. Criteria: ACMG Guidelines, 2015. Collection method: clinical testing. Allele origin: germline.
Comment: This variant has not been reported in the literature but is present in the Genome Aggregation Database (Highest reported MAF 0.5% (677/117374) including 3 homozygotes. This variant is present in ClinVar, with several labs classifying this variant as Likely Benign or Benign (Variation ID:134664). Evolutionary conservation and computational predictive tools suggest that this variant may not impact the protein. In summary, data on this variant suggests that this variant does not cause disease but requires further evidence. Therefore, this variant is classified as likely benign.

PreventionGenetics, part of Exact Sciences
Classification: Likely benign. Review status: criteria provided, single submitter. Criteria: ACMG Guidelines, 2015. Collection method: clinical testing. Allele origin: germline.

ITMI
No classification provided. Condition: AllHighlyPenetrant. Last evaluated: 2013-09-19. Review status: no classification provided. Collection method: reference population. Allele origin: germline. Not counted in ClinVar's aggregate classification.
Comment: Please see associated publication for description of ethnicities

Clinical Genetics DNA and cytogenetics Diagnostics Lab, Erasmus MC, Erasmus Medical Center
Classification: Likely benign. Review status: no assertion criteria provided. Collection method: clinical testing. Allele origin: germline. Affected: yes. Study: VKGL Data-share Consensus. Not counted in ClinVar's aggregate classification.

Laboratory of Diagnostic Genome Analysis, Leiden University Medical Center (LUMC)
Classification: Likely benign. Review status: no assertion criteria provided. Collection method: clinical testing. Allele origin: germline. Affected: yes. Study: VKGL Data-share Consensus. Not counted in ClinVar's aggregate classification.

Literature cited by the submitters: PubMed 24728327 (cited by ITMI).